The following is an entry in ClinVar:

NM_000098.3(CPT2):c.975_976del (p.Cys326fs)

Gene: CPT2 (carnitine palmitoyltransferase 2; plus strand). Cytogenetic location: 1p32.3.
Variant type: Microsatellite.
Coding change: c.975_976del on transcript NM_000098.3 (MANE Select); coding-DNA positions 975 to 976, 2 bases deleted (CT; older notation c.975_976delCT).
Protein change: p.Cys326fs; shifts the reading frame from cysteine 326.
Molecular consequence: frameshift variant.
Genome position (GRCh38, 1-based): chr1:53,210,649-53,210,650, CT deleted; deleting any 2 consecutive bases within chr1:53,210,646-53,210,650 gives the same sequence; the c. name uses the placement nearest the transcript's 3' end. VCF-style (leftmost placement, unchanged base first): chr1-53210645-GTC-G. GRCh37 (hg19) VCF-style: chr1-53676317-GTC-G.
Other names: c.975_976del, p.Cys326fs (NM_001330589.2); short protein forms C326fs.
Identifiers: ClinVar variation 2700153 (VCV002700153.4), dbSNP rs2525588822, ClinGen allele CA2697552430.

ClinVar aggregate classification (germline): Pathogenic/Likely pathogenic. Review status: criteria provided, multiple submitters, no conflicts (2 of 4 stars). 2 submissions from 2 submitters: Pathogenic (1); Likely pathogenic (1). Last evaluated 2024-01-16.

Conditions:
Carnitine palmitoyltransferase II deficiency. Also called: Carnitine Palmitoyltransferase 2 Deficiency. Identifiers: Orphanet 157, MedGen C0342790, MONDO:0015515.
Encephalopathy, acute, infection-induced, susceptibility to, 4. Identifiers: Orphanet 263524, MedGen C3280160, MONDO:0013633, OMIM 614212.

Submissions (2):

Baylor Genetics
Classification: Likely pathogenic for Encephalopathy, acute, infection-induced, susceptibility to, 4. Last evaluated: 2024-01-16. Review status: criteria provided, single submitter. Criteria: ACMG Guidelines, 2015. Collection method: clinical testing. Allele origin: unknown.

Labcorp Genetics (formerly Invitae), Labcorp
Classification: Pathogenic for Carnitine palmitoyltransferase II deficiency. Last evaluated: 2023-12-11. Review status: criteria provided, single submitter. Criteria: Invitae Variant Classification Sherloc (09022015). Collection method: clinical testing. Allele origin: germline.
Comment: This sequence change creates a premature translational stop signal (p.Cys326Profs*3) in the CPT2 gene. It is expected to result in an absent or disrupted protein product. Loss-of-function variants in CPT2 are known to be pathogenic (PMID: 16781677, 16996287). This variant is not present in population databases (gnomAD no frequency). This variant has not been reported in the literature in individuals affected with CPT2-related conditions. For these reasons, this variant has been classified as Pathogenic.

Literature cited by the submitters: PubMed 16781677 (cited by Labcorp Genetics (formerly Invitae), Labcorp); PubMed 16996287 (cited by Labcorp Genetics (formerly Invitae), Labcorp).